The following is an entry in ClinVar:

ClinVar aggregate classification (germline): Uncertain significance (1 of 4 stars; one submission).

Conditions:
LMO7-related disorder. Also called: LMO7-related condition.

Allele frequency attached by ClinVar (database versions not stated): gnomAD exomes below 0.00001.
gnomAD v4.1: 4 of 1,582,600 alleles (0.00025%); highest among the groups gnomAD compares: Non-Finnish European, 0.00035%; no homozygotes.

Submission:

PreventionGenetics, part of Exact Sciences
Classification: Uncertain significance for LMO7-related condition. Last evaluated: 2023-04-27. Review status: criteria provided, single submitter. Criteria: ACMG Guidelines, 2015. Collection method: clinical testing. Allele origin: germline.
Comment: The LMO7 c.140+4A>G variant is predicted to interfere with splicing. This variant is predicted to create a cryptic splice donor site in intron 2 based on available splicing prediction programs (Alamut Visual Plus v1.6.1). To our knowledge, this variant has not been reported in the literature or in a large population database, indicating this variant is rare. At this time, the clinical significance of this variant is uncertain due to the absence of conclusive functional and genetic evidence.

NM_001306080.2(LMO7):c.140+4A>G

Gene: LMO7 (LIM domain 7; plus strand). Cytogenetic location: 13q22.2.
Variant type: single nucleotide variant.
Coding change: c.140+4A>G on transcript NM_001306080.2 (MANE Select); 4 bases into the intron after coding-DNA position 140, A replaced by G.
Molecular consequence: intron variant.
Genome position (GRCh38, 1-based): chr13:75,713,256, A>G. VCF-style: chr13-75713256-A-G. GRCh37 (hg19) VCF-style: chr13-76287392-A-G.
Other names: c.296+4A>G (NM_005358.5).
Identifiers: ClinVar variation 2632106 (VCV002632106.1), dbSNP rs2544545358, ClinGen allele CA2575428822.
Genomic context (GRCh38, chr13:75,713,256, plus strand): 5'-GAATTTTGAAACAAAAGATTTTCGAGCCTCTCTAGAAAATGGTGTTCTGCTGTGTGAGTA[A>G]GTATTTAAAGTATTTAAAAAATAATTCAAAAGCAAAGATATGTGTGTGTGTGAGTGATGA-3'